The following is an entry in ClinVar:

NM_000836.4(GRIN2D):c.628G>T (p.Gly210Cys)

Gene: GRIN2D (glutamate ionotropic receptor NMDA type subunit 2D; plus strand). Cytogenetic location: 19q13.33.
Variant type: single nucleotide variant.
Coding change: c.628G>T on transcript NM_000836.4 (MANE Select); coding-DNA position 628, G replaced by T.
Protein change: p.Gly210Cys; replaces glycine 210 with cysteine.
Molecular consequence: missense variant.
Genome position (GRCh38, 1-based): chr19:48,404,896, G>T. VCF-style: chr19-48404896-G-T. GRCh37 (hg19) VCF-style: chr19-48908153-G-T.
Other names: short protein forms G210C.
Identifiers: ClinVar variation 3615935 (VCV003615935.2).

ClinVar aggregate classification (germline): Uncertain significance (1 of 4 stars; one submission).

gnomAD v4.1: 26 of 1,614,020 alleles (0.0016%); highest among the groups gnomAD compares: Non-Finnish European, 0.0019%; no homozygotes.

Submission:

Labcorp Genetics (formerly Invitae), Labcorp
Classification: Uncertain significance. Last evaluated: 2024-11-13. Review status: criteria provided, single submitter. Criteria: Invitae Variant Classification Sherloc (09022015). Collection method: clinical testing. Allele origin: germline.
Comment: This sequence change replaces glycine, which is neutral and non-polar, with cysteine, which is neutral and slightly polar, at codon 210 of the GRIN2D protein (p.Gly210Cys). The frequency data for this variant in the population databases is considered unreliable, as metrics indicate poor data quality at this position in the gnomAD database. This variant has not been reported in the literature in individuals affected with GRIN2D-related conditions. Invitae Evidence Modeling of protein sequence and biophysical properties (such as structural, functional, and spatial information, amino acid conservation, physicochemical variation, residue mobility, and thermodynamic stability) indicates that this missense variant is not expected to disrupt GRIN2D protein function with a negative predictive value of 80%. In summary, the available evidence is currently insufficient to determine the role of this variant in disease. Therefore, it has been classified as a Variant of Uncertain Significance.